The following is an entry in ClinVar:

ClinVar aggregate classification (germline): Uncertain significance. Review status: criteria provided, multiple submitters, no conflicts (2 of 4 stars). 2 submissions from 2 submitters: Uncertain significance (2). Last evaluated 2023-12-07.

Conditions:
GLI3-related disorder. Also called: GLI3-related condition; GLI3-related disorders. Identifiers: MedGen CN239292.

Allele frequency attached by ClinVar (database versions not stated): gnomAD exomes below 0.00001.
gnomAD v4.1: 1 of 1,614,090 alleles (0.000062%); highest among the groups gnomAD compares: Non-Finnish European, 0.000085%; no homozygotes.

Submissions (2):

GeneDx
Classification: Uncertain significance. Last evaluated: 2023-12-07. Review status: criteria provided, single submitter. Criteria: GeneDx Variant Classification Process June 2021. Collection method: clinical testing. Allele origin: germline. Affected: yes.
Comment: Not observed at significant frequency in large population cohorts (gnomAD); In silico analysis supports that this missense variant has a deleterious effect on protein structure/function; Has not been previously published as pathogenic or benign to our knowledge

PreventionGenetics, part of Exact Sciences
Classification: Uncertain significance for GLI3-related condition. Last evaluated: 2023-04-10. Review status: criteria provided, single submitter. Criteria: ACMG Guidelines, 2015. Collection method: clinical testing. Allele origin: germline.
Comment: The GLI3 c.2482C>T variant is predicted to result in the amino acid substitution p.Pro828Ser. To our knowledge, this variant has not been reported in the literature or in a large population database, indicating this variant is rare. At this time, the clinical significance of this variant is uncertain due to the absence of conclusive functional and genetic evidence.

NM_000168.6(GLI3):c.2482C>T (p.Pro828Ser)

Gene: GLI3 (GLI family zinc finger 3; minus strand). Cytogenetic location: 7p14.1.
Variant type: single nucleotide variant.
Coding change: c.2482C>T on transcript NM_000168.6 (MANE Select); coding-DNA position 2482, C replaced by T.
Protein change: p.Pro828Ser; replaces proline 828 with serine.
Molecular consequence: missense variant.
Genome position (GRCh38, 1-based): chr7:41,966,591, G>A on the plus strand (C>T on the coding strand, the complement: GLI3 is on the minus strand). VCF-style: chr7-41966591-G-A. GRCh37 (hg19) VCF-style: chr7-42006189-G-A.
Other names: short protein forms P828S.
Identifiers: ClinVar variation 2633718 (VCV002633718.2), dbSNP rs2484381818, ClinGen allele CA367320995.
Genomic context (GRCh38, chr7:41,966,591, plus strand): 5'-CCCTTCTGTTGAGCATGTTCAGCATAGTGACGTCCACCCCAGAGAGGTCGCTTCTGCCCG[G>A]GAGAAGCGTCATGGGCCCACCCAAGCTGCAGGTGTTGTTGGACTGTGTGCCTGGAGACAG-3'
Protein context (NP_000159.3, residues 818-838): CSLGGPMTLL[Pro828Ser]GRSDLSGVDV